The following is an entry in ClinVar:

ClinVar aggregate classification (germline): Uncertain significance (1 of 4 stars; one submission).

Allele frequency attached by ClinVar (database versions not stated): TOPMed 0.00001.

Submission:

GeneDx
Classification: Uncertain significance. Last evaluated: 2021-09-03. Review status: criteria provided, single submitter. Criteria: GeneDx Variant Classification Process June 2021. Collection method: clinical testing. Allele origin: germline. Affected: yes.
Comment: Has not been previously published as pathogenic or benign to our knowledge; Not observed at significant frequency in large population cohorts (Lek et al., 2016); In silico analysis supports a deleterious effect on splicing

NM_021096.4(CACNA1I):c.580+4A>G

Gene: CACNA1I (calcium voltage-gated channel subunit alpha1 I; plus strand). Cytogenetic location: 22q13.1.
Variant type: single nucleotide variant.
Coding change: c.580+4A>G on transcript NM_021096.4 (MANE Select); 4 bases into the intron after coding-DNA position 580, A replaced by G.
Molecular consequence: intron variant.
Genome position (GRCh38, 1-based): chr22:39,619,411, A>G. VCF-style: chr22-39619411-A-G. GRCh37 (hg19) VCF-style: chr22-40015416-A-G.
Other names: c.580+4A>G (NM_001003406.2).
Identifiers: ClinVar variation 1301215 (VCV001301215.2), dbSNP rs1267815991, ClinGen allele CA753140014.